The following is an entry in ClinVar:

ClinVar aggregate classification (germline): Uncertain significance (1 of 4 stars; one submission).

Conditions:
Dystonic disorder. Also called: Dystonia. Identifiers: MedGen C0013421, MONDO:0003441, HP:0001332.

gnomAD v4.1: 4 of 1,609,248 alleles (0.00025%); highest among the groups gnomAD compares: African/African-American, 0.0013%; no homozygotes.

Submission:

Labcorp Genetics (formerly Invitae), Labcorp
Classification: Uncertain significance for Dystonic disorder. Last evaluated: 2024-02-09. Review status: criteria provided, single submitter. Criteria: Invitae Variant Classification Sherloc (09022015). Collection method: clinical testing. Allele origin: germline.
Comment: This sequence change replaces methionine, which is neutral and non-polar, with isoleucine, which is neutral and non-polar, at codon 244 of the ANO3 protein (p.Met244Ile). This variant is present in population databases (rs759237031, gnomAD 0.002%). This variant has not been reported in the literature in individuals affected with ANO3-related conditions. Advanced modeling of protein sequence and biophysical properties (such as structural, functional, and spatial information, amino acid conservation, physicochemical variation, residue mobility, and thermodynamic stability) performed at Invitae indicates that this missense variant is not expected to disrupt ANO3 protein function with a negative predictive value of 95%. In summary, the available evidence is currently insufficient to determine the role of this variant in disease. Therefore, it has been classified as a Variant of Uncertain Significance.

NM_031418.4(ANO3):c.732G>A (p.Met244Ile)

Gene: ANO3 (anoctamin 3; plus strand). Cytogenetic location: 11p14.2.
Variant type: single nucleotide variant.
Coding change: c.732G>A on transcript NM_031418.4 (MANE Select); coding-DNA position 732, G replaced by A.
Protein change: p.Met244Ile; replaces methionine 244 with isoleucine.
Molecular consequence: missense variant.
Genome position (GRCh38, 1-based): chr11:26,525,674, G>A. VCF-style: chr11-26525674-G-A. GRCh37 (hg19) VCF-style: chr11-26547221-G-A.
Other names: c.915G>A, p.Met305Ile (NM_001313726.2); c.294G>A, p.Met98Ile (NM_001313727.2); short protein forms M98I, M244I, M305I.
Identifiers: ClinVar variation 3697903 (VCV003697903.2).